The following is an entry in ClinVar:

ClinVar aggregate classification (germline): Likely benign. Review status: criteria provided, multiple submitters, no conflicts (2 of 4 stars). 2 submissions from 2 submitters: Likely benign (2). Last evaluated 2026-07-01.

Conditions:
Generalized epilepsy-paroxysmal dyskinesia syndrome (PNKD3). Also called: Paroxysmal nonkinesigenic dyskinesia, 3, with or without generalized epilepsy; Generalized epilepsy and paroxysmal dyskinesia. Identifiers: Orphanet 79137, MedGen C5574945, MONDO:0012276, OMIM 609446.

Allele frequency attached by ClinVar (database versions not stated): ExAC below 0.00001; gnomAD 0.00001; gnomAD exomes 0.00001 and 0.00005; TOPMed 0.00002.
gnomAD v4.1: 20 of 1,523,254 alleles (0.0013%); highest among the groups gnomAD compares: Admixed American, 0.012%; no homozygotes.

Submissions (2):

CeGaT Center for Human Genetics Tuebingen
Classification: Likely benign. Last evaluated: 2026-07-01. Review status: criteria provided, single submitter. Criteria: CeGaT Center For Human Genetics Tuebingen Variant Classification Criteria Version 2. Collection method: clinical testing. Allele origin: germline. Affected: yes. Observed: 1 variant allele.
Comment: KCNMA1: BP4, BP7

Labcorp Genetics (formerly Invitae), Labcorp
Classification: Likely benign for Generalized epilepsy-paroxysmal dyskinesia syndrome. Last evaluated: 2025-09-27. Review status: criteria provided, single submitter. Criteria: Invitae Variant Classification Sherloc (09022015). Collection method: clinical testing. Allele origin: germline.

NM_001161352.2(KCNMA1):c.18C>T (p.Gly6=)

Gene: KCNMA1 (potassium calcium-activated channel subfamily M alpha 1; minus strand). Cytogenetic location: 10q22.3.
Variant type: single nucleotide variant.
Coding change: c.18C>T on transcript NM_001161352.2 (MANE Select); coding-DNA position 18, C replaced by T.
Protein change: p.Gly6=; no amino-acid change (glycine 6 retained).
Molecular consequence: synonymous variant.
Genome position (GRCh38, 1-based): chr10:77,637,625, G>A on the plus strand (C>T on the coding strand, the complement: KCNMA1 is on the minus strand). VCF-style: chr10-77637625-G-A. GRCh37 (hg19) VCF-style: chr10-79397383-G-A.
Other names: c.18C>T, p.Gly6= (NM_001014797.3, NM_001161353.2, NM_001271518.2 and 12 more transcripts).
Identifiers: ClinVar variation 757130 (VCV000757130.10), dbSNP rs769978136, ClinGen allele CA5568829.